The following is an entry in ClinVar:

NM_000747.3(CHRNB1):c.1365+17T>C

Gene: CHRNB1 (cholinergic receptor nicotinic beta 1 subunit; plus strand). Cytogenetic location: 17p13.1.
Variant type: single nucleotide variant.
Coding change: c.1365+17T>C on transcript NM_000747.3 (MANE Select); 17 bases into the intron after coding-DNA position 1365, T replaced by C.
Molecular consequence: intron variant.
Genome position (GRCh38, 1-based): chr17:7,455,958, T>C. VCF-style: chr17-7455958-T-C. GRCh37 (hg19) VCF-style: chr17-7359277-T-C.
Identifiers: ClinVar variation 256773 (VCV000256773.11), dbSNP rs2302763, ClinGen allele CA8348052.

ClinVar aggregate classification (germline): Benign/Likely benign. Review status: criteria provided, multiple submitters, no conflicts (2 of 4 stars). 5 submissions from 5 submitters: Benign (4); Likely benign (1). Last evaluated 2026-02-03.

Conditions:
Congenital myasthenic syndrome 2A. Also called: Myasthenic syndrome, congenital, 2a, slow-channel. Identifiers: Orphanet 590, MedGen C4225374, MONDO:0014581, OMIM 616313.

Allele frequency attached by ClinVar (database versions not stated): ESP Exome Variant Server 0.14563; gnomAD exomes 0.15632 and 0.17527; TOPMed 0.15839; gnomAD 0.16546 and 0.16696; ExAC 0.17560; 1000 Genomes Project 30x 0.18036; 1000 Genomes Project 0.18291.
gnomAD v4.1: 253,461 of 1,610,586 alleles (16%); highest among the groups gnomAD compares: South Asian, 21%; 21,098 homozygotes.

Submissions (5):

Labcorp Genetics (formerly Invitae), Labcorp
Classification: Benign for Congenital myasthenic syndrome 2A. Last evaluated: 2026-02-03. Review status: criteria provided, single submitter. Criteria: Invitae Variant Classification Sherloc (09022015). Collection method: clinical testing. Allele origin: germline.

Blueprint Genetics
Classification: Likely benign. Last evaluated: 2024-11-27. Review status: criteria provided, single submitter. Criteria: ACMG Guidelines, 2015. Collection method: clinical testing. Allele origin: germline.

GeneDx
Classification: Benign. Last evaluated: 2016-02-19. Review status: criteria provided, single submitter. Criteria: GeneDx Variant Classification (06012015). Collection method: clinical testing. Allele origin: germline. Affected: yes.
Comment: This variant is considered likely benign or benign based on one or more of the following criteria: it is a conservative change, it occurs at a poorly conserved position in the protein, it is predicted to be benign by multiple in silico algorithms, and/or has population frequency not consistent with disease.

Breakthrough Genomics
Classification: Benign. Review status: criteria provided, single submitter. Criteria: ACMG Guidelines, 2015. Collection method: not provided. Allele origin: germline. Inheritance: Autosomal recessive inheritance. Affected: yes.

PreventionGenetics, part of Exact Sciences
Classification: Benign. Review status: criteria provided, single submitter. Criteria: ACMG Guidelines, 2015. Collection method: clinical testing. Allele origin: germline.